The following is an entry in ClinVar:

NM_001382430.1(AKT1):c.1216C>T (p.Arg406Cys)

Gene: AKT1 (AKT serine/threonine kinase 1; minus strand). Cytogenetic location: 14q32.33.
Variant type: single nucleotide variant.
Coding change: c.1216C>T on transcript NM_001382430.1 (MANE Select); coding-DNA position 1216, C replaced by T.
Protein change: p.Arg406Cys; replaces arginine 406 with cysteine.
Molecular consequence: missense variant.
Genome position (GRCh38, 1-based): chr14:104,772,409, G>A on the plus strand (C>T on the coding strand, the complement: AKT1 is on the minus strand). VCF-style: chr14-104772409-G-A. GRCh37 (hg19) VCF-style: chr14-105238746-G-A.
Other names: c.1216C>T, p.Arg406Cys (NM_001014431.2, NM_001014432.2, NM_001382431.1 and 3 more transcripts); short protein forms R406C.
Identifiers: ClinVar variation 946214 (VCV000946214.11), dbSNP rs749544983, ClinGen allele CA7374524.

ClinVar aggregate classification (germline): Uncertain significance (1 of 4 stars; one submission).

Conditions:
Cowden syndrome 6 (CWS6). Identifiers: Orphanet 201, MedGen C3554519, MONDO:0014048, OMIM 615109.

Allele frequency attached by ClinVar (database versions not stated): gnomAD exomes below 0.00001; TOPMed below 0.00001; ExAC 0.00001.
gnomAD v4.1: 2 of 1,613,778 alleles (0.00012%); highest among the groups gnomAD compares: Non-Finnish European, 0.00017%; no homozygotes.

Submission:

Labcorp Genetics (formerly Invitae), Labcorp
Classification: Uncertain significance for Cowden syndrome 6. Last evaluated: 2022-08-01. Review status: criteria provided, single submitter. Criteria: Invitae Variant Classification Sherloc (09022015). Collection method: clinical testing. Allele origin: germline.
Comment: In summary, the available evidence is currently insufficient to determine the role of this variant in disease. Therefore, it has been classified as a Variant of Uncertain Significance. Algorithms developed to predict the effect of missense changes on protein structure and function are either unavailable or do not agree on the potential impact of this missense change (SIFT: "Deleterious"; PolyPhen-2: "Benign"; Align-GVGD: "Class C0"). ClinVar contains an entry for this variant (Variation ID: 946214). This variant has not been reported in the literature in individuals affected with AKT1-related conditions. This variant is present in population databases (rs749544983, gnomAD 0.0009%). This sequence change replaces arginine, which is basic and polar, with cysteine, which is neutral and slightly polar, at codon 406 of the AKT1 protein (p.Arg406Cys).